The following is an entry in ClinVar:

NM_002843.4(PTPRJ):c.3793G>A (p.Val1265Met)

Gene: PTPRJ (protein tyrosine phosphatase receptor type J; plus strand). Cytogenetic location: 11p11.2.
Variant type: single nucleotide variant.
Coding change: c.3793G>A on transcript NM_002843.4 (MANE Select); coding-DNA position 3793, G replaced by A.
Protein change: p.Val1265Met; replaces valine 1265 with methionine.
Molecular consequence: missense variant.
Genome position (GRCh38, 1-based): chr11:48,164,453, G>A. VCF-style: chr11-48164453-G-A. GRCh37 (hg19) VCF-style: chr11-48186005-G-A.
Other names: short protein forms V1265M.
Identifiers: ClinVar variation 3351351 (VCV003351351.1).
Genomic context (GRCh38, chr11:48,164,453, plus strand): 5'-AGGACGGGCACTTTCATTGCCATTGATCGTCTCATCTACCAGATAGAGAATGAGAACACC[G>A]TGGATGTGTATGGGATTGTGTATGACCTTCGAATGCATAGGCCTTTAATGGTGCAGACAG-3'
Protein context (NP_002834.3, residues 1255-1275): LIYQIENENT[Val1265Met]DVYGIVYDLR

ClinVar aggregate classification (germline): Uncertain significance (0 of 4 stars; one submission).

Conditions:
PTPRJ-related disorder. Also called: PTPRJ-related condition.

gnomAD v4.1: 73 of 1,613,920 alleles (0.0045%); highest among the groups gnomAD compares: East Asian, 0.13%; 1 homozygote.

Submission:

PreventionGenetics, part of Exact Sciences
Classification: Uncertain significance for PTPRJ-related condition. Last evaluated: 2024-09-05. Review status: no assertion criteria provided. Collection method: clinical testing. Allele origin: germline.
Comment: The PTPRJ c.3793G>A variant is predicted to result in the amino acid substitution p.Val1265Met. To our knowledge, this variant has not been reported in the literature. This variant is reported in 0.090% of alleles in individuals of East Asian descent in gnomAD. Although we suspect that this variant may be benign, at this time, the clinical significance of this variant is uncertain due to the absence of conclusive functional and genetic evidence.